The following is an entry in ClinVar:

NM_018263.6(ASXL2):c.2050G>A (p.Ala684Thr)

Gene: ASXL2 (ASXL transcriptional regulator 2; minus strand). Cytogenetic location: 2p23.3.
Variant type: single nucleotide variant.
Coding change: c.2050G>A on transcript NM_018263.6 (MANE Select); coding-DNA position 2050, G replaced by A.
Protein change: p.Ala684Thr; replaces alanine 684 with threonine.
Molecular consequence: missense variant.
Genome position (GRCh38, 1-based): chr2:25,744,287, C>T on the plus strand (G>A on the coding strand, the complement: ASXL2 is on the minus strand). VCF-style: chr2-25744287-C-T. GRCh37 (hg19) VCF-style: chr2-25967156-C-T.
Other names: c.1876G>A, p.Ala626Thr (NM_001369346.1); c.1270G>A, p.Ala424Thr (NM_001369347.1); short protein forms A626T, A684T, A424T.
Identifiers: ClinVar variation 729663 (VCV000729663.38), dbSNP rs201808592, ClinGen allele CA1557691.
Genomic context (GRCh38, chr2:25,744,287, plus strand): 5'-CCTCTCCTGGACCTTGTCCACCCCCTGGGCCAGGTCCTGGAATGGTCCCTCCAACTGAGG[C>T]GGCTGCAGCAGCTGCGGCGGCAGCGGCAGCTGCTGCCCTCTGTGCTTTGACCAGTTGGGC-3'
Protein context (NP_060733.4, residues 674-694): AAAAAAAAAA[Ala684Thr]SVGGTIPGPG

ClinVar aggregate classification (germline): Benign/Likely benign. Review status: criteria provided, multiple submitters, no conflicts (2 of 4 stars). 4 submissions from 4 submitters: Benign (1); Likely benign (2). 1 of the submissions does not count toward it. Last evaluated 2025-12-01.

Conditions:
Inborn genetic diseases. Identifiers: MedGen C0950123, MeSH D030342.
ASXL2-related disorder. Also called: ASXL2-related condition.

Allele frequency attached by ClinVar (database versions not stated): gnomAD 0.00030; 1000 Genomes Project 30x 0.00031; ExAC 0.00033; TOPMed 0.00034; gnomAD exomes 0.00037 and 0.00051; 1000 Genomes Project 0.00040; ESP Exome Variant Server 0.00059.
gnomAD v4.1: 775 of 1,611,978 alleles (0.048%); highest among the groups gnomAD compares: Non-Finnish European, 0.062%; no homozygotes.

Submissions (4):

Labcorp Genetics (formerly Invitae), Labcorp
Classification: Likely benign. Last evaluated: 2025-12-01. Review status: criteria provided, single submitter. Criteria: Invitae Variant Classification Sherloc (09022015). Collection method: clinical testing. Allele origin: germline.

CeGaT Center for Human Genetics Tuebingen
Classification: Benign. Last evaluated: 2023-06-01. Review status: criteria provided, single submitter. Criteria: CeGaT Center For Human Genetics Tuebingen Variant Classification Criteria Version 2. Collection method: clinical testing. Allele origin: germline. Affected: yes. Observed: 1 variant allele.
Comment: ASXL2: BP4, BS1, BS2

Ambry Genetics
Classification: Likely benign for Inborn genetic diseases. Last evaluated: 2022-04-22. Review status: criteria provided, single submitter. Criteria: Ambry Variant Classification Scheme 2023. Collection method: clinical testing. Allele origin: germline.

PreventionGenetics, part of Exact Sciences
Classification: Likely benign for ASXL2-related condition. Last evaluated: 2024-07-18. Review status: no assertion criteria provided. Collection method: clinical testing. Allele origin: germline. Not counted in ClinVar's aggregate classification.
Comment: This variant is classified as likely benign based on ACMG/AMP sequence variant interpretation guidelines (Richards et al. 2015 PMID: 25741868, with internal and published modifications).